The following is an entry in ClinVar:

NM_001282531.3(ADNP):c.1913C>T (p.Ala638Val)

Gene: ADNP (activity dependent neuroprotector homeobox; minus strand). Cytogenetic location: 20q13.13.
Variant type: single nucleotide variant.
Coding change: c.1913C>T on transcript NM_001282531.3 (MANE Select); coding-DNA position 1913, C replaced by T.
Protein change: p.Ala638Val; replaces alanine 638 with valine.
Molecular consequence: missense variant.
Genome position (GRCh38, 1-based): chr20:50,892,801, G>A on the plus strand (C>T on the coding strand, the complement: ADNP is on the minus strand). VCF-style: chr20-50892801-G-A. GRCh37 (hg19) VCF-style: chr20-49509338-G-A.
Other names: c.1913C>T, p.Ala638Val (NM_001282532.2, NM_001347511.2, NM_015339.5 and 1 more transcripts); short protein forms A638V.
Identifiers: ClinVar variation 2034861 (VCV002034861.4), dbSNP rs753360109, ClinGen allele CA408971951.

ClinVar aggregate classification (germline): Uncertain significance (1 of 4 stars; one submission).

Allele frequency attached by ClinVar (database versions not stated): TOPMed 0.00002.
gnomAD v4.1: 1 of 1,614,228 alleles (0.000062%); highest among the groups gnomAD compares: Non-Finnish European, 0.000085%; no homozygotes.

Submission:

Labcorp Genetics (formerly Invitae), Labcorp
Classification: Uncertain significance. Last evaluated: 2022-06-04. Review status: criteria provided, single submitter. Criteria: Invitae Variant Classification Sherloc (09022015). Collection method: clinical testing. Allele origin: germline.
Comment: In summary, the available evidence is currently insufficient to determine the role of this variant in disease. Therefore, it has been classified as a Variant of Uncertain Significance. Algorithms developed to predict the effect of missense changes on protein structure and function are either unavailable or do not agree on the potential impact of this missense change (SIFT: "Not Available"; PolyPhen-2: "Possibly Damaging"; Align-GVGD: "Not Available"). This variant has not been reported in the literature in individuals affected with ADNP-related conditions. This variant is not present in population databases (gnomAD no frequency). This sequence change replaces alanine, which is neutral and non-polar, with valine, which is neutral and non-polar, at codon 638 of the ADNP protein (p.Ala638Val).